The following is an entry in ClinVar:

NM_003060.4(SLC22A5):c.304G>A (p.Asp102Asn)

Gene: SLC22A5 (solute carrier family 22 member 5; plus strand). Cytogenetic location: 5q31.1.
Variant type: single nucleotide variant.
Coding change: c.304G>A on transcript NM_003060.4 (MANE Select); coding-DNA position 304, G replaced by A.
Protein change: p.Asp102Asn; replaces aspartic acid 102 with asparagine.
Molecular consequence: missense variant.
Genome position (GRCh38, 1-based): chr5:132,370,276, G>A. VCF-style: chr5-132370276-G-A. GRCh37 (hg19) VCF-style: chr5-131705968-G-A.
Other names: p.Asp102Asn; c.304G>A, p.Asp102Asn (NM_001308122.2); c.304G>A (NM_003060.3); short protein forms D102N.
Identifiers: ClinVar variation 1707679 (VCV001707679.5), dbSNP rs1386058037, ClinGen allele CA360802768.

ClinVar aggregate classification (germline): Uncertain significance. Review status: criteria provided, multiple submitters, no conflicts (2 of 4 stars). 3 submissions from 3 submitters: Uncertain significance (3). Last evaluated 2022-10-03.

Conditions:
Inborn genetic diseases. Identifiers: MedGen C0950123, MeSH D030342.
Renal carnitine transport defect (CDSP). Also called: Systemic primary carnitine deficiency disease; CARNITINE DEFICIENCY, SYSTEMIC, DUE TO DEFECT IN RENAL REABSORPTION OF CARNITINE; CARNITINE TRANSPORTER, PLASMA-MEMBRANE, DEFICIENCY OF; CARNITINE UPTAKE DEFECT; Systemic primary carnitine deficiency; Carnitine transporter deficiency. Identifiers: Orphanet 158, MedGen C0342788, MONDO:0008919, OMIM 212140.

Allele frequency attached by ClinVar (database versions not stated): TOPMed 0.00001.
gnomAD v4.1: 6 of 1,601,084 alleles (0.00037%); highest among the groups gnomAD compares: South Asian, 0.0067%; no homozygotes.

Submissions (3):

Giacomini Lab, University of California, San Francisco
Classification: Uncertain significance for Renal carnitine transport defect. Last evaluated: 2022-10-03. Review status: criteria provided, single submitter. Criteria: ACMG Guidelines, 2015. Collection method: research, in vitro. Allele origin: germline, not applicable.

Labcorp Genetics (formerly Invitae), Labcorp
Classification: Uncertain significance for Renal carnitine transport defect. Last evaluated: 2022-04-28. Review status: criteria provided, single submitter. Criteria: Invitae Variant Classification Sherloc (09022015). Collection method: clinical testing. Allele origin: germline.
Comment: This sequence change replaces aspartic acid, which is acidic and polar, with asparagine, which is neutral and polar, at codon 102 of the SLC22A5 protein (p.Asp102Asn). This variant is present in population databases (no rsID available, gnomAD 0.01%). This variant has not been reported in the literature in individuals affected with SLC22A5-related conditions. Advanced modeling of protein sequence and biophysical properties (such as structural, functional, and spatial information, amino acid conservation, physicochemical variation, residue mobility, and thermodynamic stability) performed at Invitae indicates that this missense variant is expected to disrupt SLC22A5 protein function. In summary, the available evidence is currently insufficient to determine the role of this variant in disease. Therefore, it has been classified as a Variant of Uncertain Significance.

Ambry Genetics
Classification: Uncertain significance for Inborn genetic diseases. Last evaluated: 2021-10-20. Review status: criteria provided, single submitter. Criteria: Ambry Variant Classification Scheme 2023. Collection method: clinical testing. Allele origin: germline.